The following is an entry in ClinVar:

NM_005257.6(GATA6):c.1634T>G (p.Val545Gly)

Gene: GATA6 (GATA binding protein 6; plus strand). Cytogenetic location: 18q11.2.
Variant type: single nucleotide variant.
Coding change: c.1634T>G on transcript NM_005257.6 (MANE Select); coding-DNA position 1634, T replaced by G.
Protein change: p.Val545Gly; replaces valine 545 with glycine.
Molecular consequence: missense variant.
Genome position (GRCh38, 1-based): chr18:22,200,669, T>G. VCF-style: chr18-22200669-T-G. GRCh37 (hg19) VCF-style: chr18-19780632-T-G.
Other names: short protein forms V545G.
Identifiers: ClinVar variation 2713809 (VCV002713809.3), dbSNP rs750440428, ClinGen allele CA8909058.

ClinVar aggregate classification (germline): Uncertain significance (1 of 4 stars; one submission).

Conditions:
Atrioventricular septal defect 5 (AVSD5). Identifiers: MedGen C3280939, MONDO:0013769, OMIM 614474.

gnomAD v4.1: 7 of 1,614,116 alleles (0.00043%); highest among the groups gnomAD compares: African/African-American, 0.0093%; no homozygotes.

Submission:

Labcorp Genetics (formerly Invitae), Labcorp
Classification: Uncertain significance for Atrioventricular septal defect 5. Last evaluated: 2024-06-04. Review status: criteria provided, single submitter. Criteria: Invitae Variant Classification Sherloc (09022015). Collection method: clinical testing. Allele origin: germline.
Comment: This sequence change replaces valine, which is neutral and non-polar, with glycine, which is neutral and non-polar, at codon 545 of the GATA6 protein (p.Val545Gly). This variant is present in population databases (rs750440428, gnomAD 0.008%). This variant has not been reported in the literature in individuals affected with GATA6-related conditions. Advanced modeling of protein sequence and biophysical properties (such as structural, functional, and spatial information, amino acid conservation, physicochemical variation, residue mobility, and thermodynamic stability) performed at Invitae indicates that this missense variant is not expected to disrupt GATA6 protein function with a negative predictive value of 80%. In summary, the available evidence is currently insufficient to determine the role of this variant in disease. Therefore, it has been classified as a Variant of Uncertain Significance.